The following is an entry in ClinVar:

NM_002755.4(MAP2K1):c.146G>A (p.Arg49His)

Gene: MAP2K1 (mitogen-activated protein kinase kinase 1; plus strand). Cytogenetic location: 15q22.31.
Variant type: single nucleotide variant.
Coding change: c.146G>A on transcript NM_002755.4 (MANE Select); coding-DNA position 146, G replaced by A.
Protein change: p.Arg49His; replaces arginine 49 with histidine.
Molecular consequence: missense variant.
Genome position (GRCh38, 1-based): chr15:66,435,092, G>A. VCF-style: chr15-66435092-G-A. GRCh37 (hg19) VCF-style: chr15-66727430-G-A.
Other names: c.80G>A, p.Arg27His (NM_001411065.1); short protein forms R27H, R49H.
Identifiers: ClinVar variation 2185892 (VCV002185892.4), dbSNP rs910099707, ClinGen allele CA271640694.
Genomic context (GRCh38, chr15:66,435,092, plus strand): 5'-ACTTGGAGGCCTTGCAGAAGAAGCTGGAGGAGCTAGAGCTTGATGAGCAGCAGCGAAAGC[G>A]CCTTGAGGCCTTTCTTACCCAGAAGCAGAAGGTGGGAGAACTGAAGGATGACGACTTTGA-3'
Protein context (NP_002746.1, residues 39-59): ELELDEQQRK[Arg49His]LEAFLTQKQK

ClinVar aggregate classification (germline): Uncertain significance (1 of 4 stars; one submission).

Conditions:
RASopathy. Also called: Noonan spectrum disorder; rasopathies. Identifiers: Orphanet 536391, MedGen C5555857, MONDO:0021060.

Allele frequency attached by ClinVar (database versions not stated): gnomAD exomes below 0.00001; TOPMed below 0.00001.
gnomAD v4.1: 5 of 1,614,100 alleles (0.00031%); highest among the groups gnomAD compares: Admixed American, 0.0017%; no homozygotes.

Submission:

Labcorp Genetics (formerly Invitae), Labcorp
Classification: Uncertain significance for RASopathy. Last evaluated: 2022-06-12. Review status: criteria provided, single submitter. Criteria: Invitae Variant Classification Sherloc (09022015). Collection method: clinical testing. Allele origin: germline.
Comment: In summary, the available evidence is currently insufficient to determine the role of this variant in disease. Therefore, it has been classified as a Variant of Uncertain Significance. Advanced modeling of protein sequence and biophysical properties (such as structural, functional, and spatial information, amino acid conservation, physicochemical variation, residue mobility, and thermodynamic stability) performed at Invitae indicates that this missense variant is expected to disrupt MAP2K1 protein function. This variant has not been reported in the literature in individuals affected with MAP2K1-related conditions. This variant is present in population databases (no rsID available, gnomAD 0.003%). This sequence change replaces arginine, which is basic and polar, with histidine, which is basic and polar, at codon 49 of the MAP2K1 protein (p.Arg49His).